The following is an entry in ClinVar:

ClinVar aggregate classification (germline): Uncertain significance (1 of 4 stars; one submission).

gnomAD v4.1: 3 of 1,614,016 alleles (0.00019%); highest among the groups gnomAD compares: Non-Finnish European, 0.00025%; no homozygotes.

Submission:

Labcorp Genetics (formerly Invitae), Labcorp
Classification: Uncertain significance. Last evaluated: 2025-10-29. Review status: criteria provided, single submitter. Criteria: Invitae Variant Classification Sherloc (09022015). Collection method: clinical testing. Allele origin: germline.
Comment: This sequence change replaces lysine, which is basic and polar, with glutamic acid, which is acidic and polar, at codon 573 of the COL4A1 protein (p.Lys573Glu). This variant is present in population databases (no rsID available, gnomAD 0.0009%). This variant has not been reported in the literature in individuals affected with COL4A1-related conditions. Invitae Evidence Modeling of protein sequence and biophysical properties (such as structural, functional, and spatial information, amino acid conservation, physicochemical variation, residue mobility, and thermodynamic stability) indicates that this missense variant is not expected to disrupt COL4A1 protein function with a negative predictive value of 80%. In summary, the available evidence is currently insufficient to determine the role of this variant in disease. Therefore, it has been classified as a Variant of Uncertain Significance.

NM_001845.6(COL4A1):c.1717A>G (p.Lys573Glu)

Gene: COL4A1 (collagen type IV alpha 1 chain; minus strand). Cytogenetic location: 13q34.
Variant type: single nucleotide variant.
Coding change: c.1717A>G on transcript NM_001845.6 (MANE Select); coding-DNA position 1717, A replaced by G.
Protein change: p.Lys573Glu; replaces lysine 573 with glutamic acid.
Molecular consequence: missense variant.
Genome position (GRCh38, 1-based): chr13:110,187,149, T>C on the plus strand (A>G on the coding strand, the complement: COL4A1 is on the minus strand). VCF-style: chr13-110187149-T-C. GRCh37 (hg19) VCF-style: chr13-110839496-T-C.
Other names: short protein forms K573E.
Identifiers: ClinVar variation 4769786 (VCV004769786.1).